The following is an entry in ClinVar:

ClinVar aggregate classification (germline): Uncertain significance. Review status: criteria provided, multiple submitters, no conflicts (2 of 4 stars). 4 submissions from 4 submitters: Uncertain significance (4). Last evaluated 2026-07-13.

Conditions:
Retinitis pigmentosa 71 (RP71). Identifiers: Orphanet 791, MedGen C4225342, MONDO:0014618, OMIM 616394.
Short-rib thoracic dysplasia 10 with or without polydactyly (SRTD10). Identifiers: Orphanet 474, MedGen C3810175, MONDO:0014284, OMIM 615630.
IFT172-related disorder. Also called: IFT172-related condition; IFT172-related disorders.
Bardet-Biedl syndrome 20. Identifiers: MedGen C4310707, MONDO:0023670, OMIM 619471, MONDO:0014926.
Inborn genetic diseases. Identifiers: MedGen C0950123, MeSH D030342.

Allele frequency attached by ClinVar (database versions not stated): gnomAD exomes 0.00002; TOPMed 0.00004; gnomAD 0.00001 and 0.00002.
gnomAD v4.1: 35 of 1,613,930 alleles (0.0022%); highest among the groups gnomAD compares: African/African-American, 0.0067%; no homozygotes.

Submissions (4):

PreventionGenetics, part of Exact Sciences
Classification: Uncertain significance for IFT172-related condition. Last evaluated: 2026-07-13. Review status: criteria provided, single submitter. Criteria: ACMG Guidelines, 2015. Collection method: clinical testing. Allele origin: germline.
Comment: The IFT172 c.2221C>T variant is predicted to result in the amino acid substitution p.Arg741Cys. To our knowledge, this variant has not been reported in the literature. This variant is reported in 0.0062% of alleles in individuals of African descent in gnomAD. At this time, the clinical significance of this variant is uncertain due to the absence of conclusive functional and genetic evidence.

Ambry Genetics
Classification: Uncertain significance for Inborn genetic diseases. Last evaluated: 2024-09-10. Review status: criteria provided, single submitter. Criteria: Ambry Variant Classification Scheme 2023. Collection method: clinical testing. Allele origin: germline.

Fulgent Genetics
Classification: Uncertain significance for Short-rib thoracic dysplasia 10 with or without polydactyly; Retinitis pigmentosa 71; Bardet-Biedl syndrome 20. Last evaluated: 2022-03-03. Review status: criteria provided, single submitter. Criteria: ACMG Guidelines, 2015. Collection method: clinical testing. Allele origin: unknown.

Labcorp Genetics (formerly Invitae), Labcorp
Classification: Uncertain significance for Retinitis pigmentosa 71; Short-rib thoracic dysplasia 10 with or without polydactyly. Last evaluated: 2022-01-05. Review status: criteria provided, single submitter. Criteria: Invitae Variant Classification Sherloc (09022015). Collection method: clinical testing. Allele origin: germline.
Comment: In summary, the available evidence is currently insufficient to determine the role of this variant in disease. Therefore, it has been classified as a Variant of Uncertain Significance. Algorithms developed to predict the effect of missense changes on protein structure and function are either unavailable or do not agree on the potential impact of this missense change (SIFT: "Deleterious"; PolyPhen-2: "Possibly Damaging"; Align-GVGD: "Class C0"). ClinVar contains an entry for this variant (Variation ID: 1044749). This variant has not been reported in the literature in individuals affected with IFT172-related conditions. This variant is present in population databases (no rsID available, gnomAD 0.007%). This sequence change replaces arginine, which is basic and polar, with cysteine, which is neutral and slightly polar, at codon 741 of the IFT172 protein (p.Arg741Cys).

NM_015662.3(IFT172):c.2221C>T (p.Arg741Cys)

Gene: IFT172 (intraflagellar transport 172; minus strand). Cytogenetic location: 2p23.3.
Variant type: single nucleotide variant.
Coding change: c.2221C>T on transcript NM_015662.3 (MANE Select); coding-DNA position 2221, C replaced by T.
Protein change: p.Arg741Cys; replaces arginine 741 with cysteine.
Molecular consequence: missense variant.
Genome position (GRCh38, 1-based): chr2:27,461,490, G>A on the plus strand (C>T on the coding strand, the complement: IFT172 is on the minus strand). VCF-style: chr2-27461490-G-A. GRCh37 (hg19) VCF-style: chr2-27684357-G-A.
Other names: c.2221C>T (NM_015662.1, NM_015662.2); short protein forms R741C.
Identifiers: ClinVar variation 1044749 (VCV001044749.13), dbSNP rs984586780, ClinGen allele CA44498208.